The following is an entry in ClinVar:

NM_020774.4(MIB1):c.209T>C (p.Ile70Thr)

Gene: MIB1 (MIB E3 ubiquitin protein ligase 1; plus strand). Cytogenetic location: 18q11.2.
Variant type: single nucleotide variant.
Coding change: c.209T>C on transcript NM_020774.4 (MANE Select); coding-DNA position 209, T replaced by C.
Protein change: p.Ile70Thr; replaces isoleucine 70 with threonine.
Molecular consequence: missense variant.
Genome position (GRCh38, 1-based): chr18:21,741,792, T>C. VCF-style: chr18-21741792-T-C. GRCh37 (hg19) VCF-style: chr18-19321753-T-C.
Other names: short protein forms I70T.
Identifiers: ClinVar variation 3872832 (VCV003872832.1).

ClinVar aggregate classification (germline): Uncertain significance (1 of 4 stars; one submission).

Conditions:
Inborn genetic diseases. Identifiers: MedGen C0950123, MeSH D030342.

Submission:

Ambry Genetics
Classification: Uncertain significance for Inborn genetic diseases. Last evaluated: 2025-01-27. Review status: criteria provided, single submitter. Criteria: Ambry Variant Classification Scheme 2023. Collection method: clinical testing. Allele origin: germline.
Comment: The p.I70T variant (also known as c.209T>C), located in coding exon 1 of the MIB1 gene, results from a T to C substitution at nucleotide position 209. The isoleucine at codon 70 is replaced by threonine, an amino acid with similar properties. This amino acid position is conserved. In addition, this alteration is predicted to be deleterious by in silico analysis. Based on the available evidence, the clinical significance of this variant remains unclear.